The following is an entry in ClinVar:

ClinVar aggregate classification (germline): Uncertain significance. Review status: criteria provided, multiple submitters, no conflicts (2 of 4 stars). 2 submissions from 2 submitters: Uncertain significance (2). Last evaluated 2025-08-23.

Conditions:
Hypersulfaturia (HYSULF). Identifiers: MedGen C5830511, MONDO:0957268, OMIM 620372.
Nephrolithiasis susceptibility caused by SLC26A1 (CAON1). Also called: NEPHROLITHIASIS, CALCIUM OXALATE, 1. Identifiers: MedGen C5779632, MONDO:0020722, OMIM 167030.

Allele frequency attached by ClinVar (database versions not stated): ESP Exome Variant Server 0.00008; ExAC 0.00015; gnomAD 0.00019; TOPMed 0.00029; 1000 Genomes Project 30x 0.00031; 1000 Genomes Project 0.00040.
gnomAD v4.1: 327 of 1,556,550 alleles (0.021%); highest among the groups gnomAD compares: African/African-American, 0.028%; no homozygotes.

Submissions (2):

Labcorp Genetics (formerly Invitae), Labcorp
Classification: Uncertain significance. Last evaluated: 2025-08-23. Review status: criteria provided, single submitter. Criteria: Invitae Variant Classification Sherloc (09022015). Collection method: clinical testing. Allele origin: germline.
Comment: This sequence change replaces threonine, which is neutral and polar, with methionine, which is neutral and non-polar, at codon 325 of the SLC26A1 protein (p.Thr325Met). This variant is present in population databases (rs202242030, gnomAD 0.03%). This variant has not been reported in the literature in individuals affected with SLC26A1-related conditions. ClinVar contains an entry for this variant (Variation ID: 2201306). Invitae Evidence Modeling of protein sequence and biophysical properties (such as structural, functional, and spatial information, amino acid conservation, physicochemical variation, residue mobility, and thermodynamic stability) has been performed for this missense variant. However, the output from this modeling did not meet the statistical confidence thresholds required to predict the impact of this variant on SLC26A1 protein function. In summary, the available evidence is currently insufficient to determine the role of this variant in disease. Therefore, it has been classified as a Variant of Uncertain Significance.

Fulgent Genetics
Classification: Uncertain significance for Nephrolithiasis susceptibility caused by SLC26A1; Hypersulfaturia. Last evaluated: 2024-01-30. Review status: criteria provided, single submitter. Criteria: ACMG Guidelines, 2015. Collection method: clinical testing. Allele origin: germline.

NM_022042.4(SLC26A1):c.974C>T (p.Thr325Met)

Genes: IDUA (alpha-L-iduronidase; plus strand), SLC26A1 (solute carrier family 26 member 1; minus strand). Cytogenetic location: 4p16.3.
Variant type: single nucleotide variant.
Coding change: c.974C>T on transcript NM_022042.4 (MANE Select); coding-DNA position 974, C replaced by T.
Protein change: p.Thr325Met; replaces threonine 325 with methionine.
Molecular consequence: missense variant. On other transcripts: intron variant (2).
Genome position (GRCh38, 1-based): chr4:989,965, G>A on the plus strand (C>T on the coding strand, the complement: SLC26A1 is on the minus strand). VCF-style: chr4-989965-G-A. GRCh37 (hg19) VCF-style: chr4-983753-G-A.
Other names: c.974C>T, p.Thr325Met (NM_213613.4); c.576+1163C>T (NM_134425.4); c.299+2016G>A (NM_000203.5); short protein forms T325M.
Identifiers: ClinVar variation 2201306 (VCV002201306.5), dbSNP rs202242030, ClinGen allele CA2801491.